The following is an entry in ClinVar:

ClinVar aggregate classification (germline): Likely benign. Review status: criteria provided, multiple submitters, no conflicts (2 of 4 stars). 2 submissions from 2 submitters: Likely benign (2). Last evaluated 2025-02-19.

Conditions:
Fanconi anemia complementation group O. Also called: RAD51C-Related Fanconi Anemia. Identifiers: Orphanet 84, MedGen C3150653, MONDO:0013248, OMIM 613390.
Breast-ovarian cancer, familial, susceptibility to, 3. Also called: RAD51C-Related Breast/Ovarian Cancer. Identifiers: Orphanet 145, MedGen C3150659, MONDO:0013253, OMIM 613399.

Submissions (2):

Myriad Genetics, Inc.
Classification: Likely benign for Breast-ovarian cancer, familial, susceptibility to, 3. Last evaluated: 2025-02-19. Review status: criteria provided, single submitter. Criteria: Myriad Autosomal Dominant, Autosomal Recessive and X-Linked Classification Criteria (2023). Collection method: clinical testing. Allele origin: unknown.
Comment: This variant is considered likely benign. This variant is intronic and is not expected to impact mRNA splicing.

Labcorp Genetics (formerly Invitae), Labcorp
Classification: Likely benign for Fanconi anemia complementation group O. Last evaluated: 2021-05-27. Review status: criteria provided, single submitter. Criteria: Invitae Variant Classification Sherloc (09022015). Collection method: clinical testing. Allele origin: germline.

NM_058216.3(RAD51C):c.838-19T>C

Gene: RAD51C (RAD51 paralog C; plus strand). Cytogenetic location: 17q22.
Variant type: single nucleotide variant.
Coding change: c.838-19T>C on transcript NM_058216.3 (MANE Select); 19 bases into the intron before coding-DNA position 838, T replaced by C.
Molecular consequence: intron variant.
Genome position (GRCh38, 1-based): chr17:58,720,727, T>C. VCF-style: chr17-58720727-T-C. GRCh37 (hg19) VCF-style: chr17-56798088-T-C.
Identifiers: ClinVar variation 1561471 (VCV001561471.9), dbSNP rs542415157, ClinGen allele CA2573154151.